The following is an entry in ClinVar:

NM_017514.5(PLXNA3):c.435C>T (p.Ala145=)

Gene: PLXNA3 (plexin A3; plus strand). Cytogenetic location: Xq28.
Variant type: single nucleotide variant.
Coding change: c.435C>T on transcript NM_017514.5 (MANE Select); coding-DNA position 435, C replaced by T.
Protein change: p.Ala145=; no amino-acid change (alanine 145 retained).
Molecular consequence: synonymous variant.
Genome position (GRCh38, 1-based): chrX:154,460,618, C>T. VCF-style: chrX-154460618-C-T. GRCh37 (hg19) VCF-style: chrX-153688958-C-T.
Identifiers: ClinVar variation 3030044 (VCV003030044.2), dbSNP rs958950730, ClinGen allele CA337310793.
Genomic context (GRCh38, chrX:154,460,618, plus strand): 5'-GGACGACCTCTTCAAGCTGGGTGAGCCGCACCACCGCAAGGAGCACTACCTGTCGGGGGC[C>T]CAGGAGCCCGACTCCATGGCTGGTGTCATTGTGGAGCAGGGCCAGGGGCCCAGCAAGCTG-3'
Protein context (NP_059984.3, residues 135-155): HHRKEHYLSG[Ala145=]QEPDSMAGVI

ClinVar aggregate classification (germline): Likely benign (0 of 4 stars; one submission).

Conditions:
PLXNA3-related disorder. Also called: PLXNA3-related condition.

Allele frequency attached by ClinVar (database versions not stated): gnomAD exomes below 0.00001; TOPMed 0.00001.
gnomAD v4.1: 2 of 1,190,684 alleles (0.00017%); highest among the groups gnomAD compares: East Asian, 0.003%; no homozygotes.

Submission:

PreventionGenetics, part of Exact Sciences
Classification: Likely benign for PLXNA3-related condition. Last evaluated: 2024-02-20. Review status: no assertion criteria provided. Collection method: clinical testing. Allele origin: germline.
Comment: This variant is classified as likely benign based on ACMG/AMP sequence variant interpretation guidelines (Richards et al. 2015 PMID: 25741868, with internal and published modifications).